The following is an entry in ClinVar:

ClinVar aggregate classification (germline): Uncertain significance (1 of 4 stars; one submission).

Allele frequency attached by ClinVar (database versions not stated): TOPMed below 0.00001; ExAC 0.00001; gnomAD exomes 0.00001.
gnomAD v4.1: 7 of 1,613,362 alleles (0.00043%); highest among the groups gnomAD compares: Admixed American, 0.012%; no homozygotes.

Submission:

Labcorp Genetics (formerly Invitae), Labcorp
Classification: Uncertain significance. Last evaluated: 2023-10-26. Review status: criteria provided, single submitter. Criteria: Invitae Variant Classification Sherloc (09022015). Collection method: clinical testing. Allele origin: germline.
Comment: This sequence change replaces asparagine, which is neutral and polar, with aspartic acid, which is acidic and polar, at codon 324 of the HTRA1 protein (p.Asn324Asp). This variant is present in population databases (rs748752114, gnomAD 0.01%). This variant has not been reported in the literature in individuals affected with HTRA1-related conditions. An algorithm developed to predict the effect of missense changes on protein structure and function (PolyPhen-2) suggests that this variant is likely to be disruptive. This variant disrupts the p.Asn324 amino acid residue in HTRA1. Other variant(s) that disrupt this residue have been observed in individuals with HTRA1-related conditions (PMID: 29895533, 32895092), which suggests that this may be a clinically significant amino acid residue. In summary, the available evidence is currently insufficient to determine the role of this variant in disease. Therefore, it has been classified as a Variant of Uncertain Significance.

Literature cited by the submitters: PubMed 29895533; PubMed 32895092.

NM_002775.5(HTRA1):c.970A>G (p.Asn324Asp)

Gene: HTRA1 (HtrA serine peptidase 1; plus strand). Cytogenetic location: 10q26.13.
Variant type: single nucleotide variant.
Coding change: c.970A>G on transcript NM_002775.5 (MANE Select); coding-DNA position 970, A replaced by G.
Protein change: p.Asn324Asp; replaces asparagine 324 with aspartic acid.
Molecular consequence: missense variant.
Genome position (GRCh38, 1-based): chr10:122,506,883, A>G. VCF-style: chr10-122506883-A-G. GRCh37 (hg19) VCF-style: chr10-124266399-A-G.
Other names: short protein forms N324D.
Identifiers: ClinVar variation 2972365 (VCV002972365.3), dbSNP rs748752114, ClinGen allele CA5725978.